The following is an entry in ClinVar:

NM_000330.4(RS1):c.418G>A (p.Gly140Arg)

Genes: CDKL5 (cyclin dependent kinase like 5; plus strand), RS1 (retinoschisin 1; minus strand). Cytogenetic location: Xp22.13.
Variant type: single nucleotide variant.
Coding change: c.418G>A on transcript NM_000330.4 (MANE Select); coding-DNA position 418, G replaced by A.
Protein change: p.Gly140Arg; replaces glycine 140 with arginine.
Molecular consequence: missense variant. On other transcripts: intron variant (2).
Genome position (GRCh38, 1-based): chrX:18,644,534, C>T on the plus strand (G>A on the coding strand, the complement: RS1 is on the minus strand). VCF-style: chrX-18644534-C-T. GRCh37 (hg19) VCF-style: chrX-18662654-C-T.
Other names: c.2714-1473C>T (NM_003159.3, NM_001037343.2); short protein forms G140R.
Identifiers: ClinVar variation 98956 (VCV000098956.49), dbSNP rs61752156, ClinGen allele CA226722.

ClinVar aggregate classification (germline): Pathogenic/Likely pathogenic. Review status: criteria provided, multiple submitters, no conflicts (2 of 4 stars). 7 submissions from 7 submitters: Pathogenic (4); Likely pathogenic (1). 2 of the submissions do not count toward it. Last evaluated 2022-08-23.

Conditions:
RS1-related disorder. Also called: RS1-related condition.
Retinal dystrophy. Also called: Inherited retinal dystrophy. Identifiers: Orphanet 71862, MedGen C0854723, MeSH D058499, MONDO:0019118, HP:0000556.
Retinoschisis. Identifiers: MedGen C0152439, MONDO:0004579, HP:0030502.

Submissions (7):

Labcorp Genetics (formerly Invitae), Labcorp
Classification: Pathogenic. Last evaluated: 2022-08-23. Review status: criteria provided, single submitter. Criteria: Invitae Variant Classification Sherloc (09022015). Collection method: clinical testing. Allele origin: germline.
Comment: Advanced modeling of protein sequence and biophysical properties (such as structural, functional, and spatial information, amino acid conservation, physicochemical variation, residue mobility, and thermodynamic stability) performed at Invitae indicates that this missense variant is expected to disrupt RS1 protein function. For these reasons, this variant has been classified as Pathogenic. This variant disrupts the p.Gly140 amino acid residue in RS1. Other variant(s) that disrupt this residue have been determined to be pathogenic (PMID: 9618178; Invitae). This suggests that this residue is clinically significant, and that variants that disrupt this residue are likely to be disease-causing. ClinVar contains an entry for this variant (Variation ID: 98956). This missense change has been observed in individuals with X-linked retinoschisis (PMID: 9618178, 31456290). This variant is not present in population databases (gnomAD no frequency). This sequence change replaces glycine, which is neutral and non-polar, with arginine, which is basic and polar, at codon 140 of the RS1 protein (p.Gly140Arg).

Institute of Medical Genetics and Applied Genomics, University Hospital Tübingen
Classification: Pathogenic. Last evaluated: 2020-10-23. Review status: criteria provided, single submitter. Criteria: ACMG Guidelines, 2015. Collection method: clinical testing. Allele origin: germline. Inheritance: X-linked dominant inheritance. Affected: yes.

Blueprint Genetics
Classification: Likely pathogenic for RS1-related disorders. Last evaluated: 2019-10-11. Review status: criteria provided, single submitter. Criteria: ACMG Guidelines, 2015. Collection method: clinical testing. Allele origin: germline. Affected: yes. Observed: 2 variant alleles.

CeGaT Center for Human Genetics Tuebingen
Classification: Pathogenic. Last evaluated: 2017-12-01. Review status: criteria provided, single submitter. Criteria: CeGaT Center For Human Genetics Tuebingen Variant Classification Criteria Version 2. Collection method: clinical testing. Allele origin: germline. Affected: yes. Observed: 1 variant allele.

Institute of Human Genetics, Univ. Regensburg, Univ. Regensburg
Classification: Pathogenic for Retinal dystrophy. Last evaluated: 2008-01-01. Review status: criteria provided, single submitter. Criteria: ACMG Guidelines, 2015. Collection method: clinical testing. Allele origin: germline. Affected: yes.

Sharon lab, Hadassah-Hebrew University Medical Center
Classification: Likely pathogenic for retinoschisis. Last evaluated: 2019-06-23. Review status: no assertion criteria provided. Collection method: research. Allele origin: inherited. Affected: yes. Not counted in ClinVar's aggregate classification.

Retina International
No classification provided. Review status: no classification provided. Collection method: not provided. Allele origin: unknown. Not counted in ClinVar's aggregate classification.

Literature cited by the submitters: PubMed 9618178 (cited by Labcorp Genetics (formerly Invitae), Labcorp and Institute of Human Genetics, Univ. Regensburg, Univ. Regensburg); PubMed 31456290 (cited by Labcorp Genetics (formerly Invitae), Labcorp and Institute of Human Genetics, Univ. Regensburg, Univ. Regensburg); PubMed 32531858 (cited by Institute of Human Genetics, Univ. Regensburg, Univ. Regensburg); PubMed 35456481 (cited by Institute of Human Genetics, Univ. Regensburg, Univ. Regensburg).